The following is an entry in ClinVar:

NM_000202.8(IDS):c.806A>T (p.Asp269Val)

Genes: IDS (iduronate 2-sulfatase; minus strand), LOC106050102 (IDS recombination region; plus strand). Cytogenetic location: Xq28.
Variant type: single nucleotide variant.
Coding change: c.806A>T on transcript NM_000202.8 (MANE Select); coding-DNA position 806, A replaced by T.
Protein change: p.Asp269Val; replaces aspartic acid 269 with valine.
Molecular consequence: missense variant. On other transcripts: non-coding transcript variant (1).
Genome position (GRCh38, 1-based): chrX:149,496,419, T>A on the plus strand (A>T on the coding strand, the complement: IDS is on the minus strand). VCF-style: chrX-149496419-T-A. GRCh37 (hg19) VCF-style: chrX-148577950-T-A.
Other names: c.536A>T, p.Asp179Val (NM_001166550.4); c.806A>T, p.Asp269Val (NM_006123.5); c.806A>T (NM_000202.5); short protein forms D269V, D179V.
Identifiers: ClinVar variation 427181 (VCV000427181.10), dbSNP rs1085308006, ClinGen allele CA414521897.

ClinVar aggregate classification (germline): Pathogenic/Likely pathogenic. Review status: criteria provided, multiple submitters, no conflicts (2 of 4 stars). 5 submissions from 5 submitters: Pathogenic (1); Likely pathogenic (3). 1 of the submissions does not count toward it. Last evaluated 2024-10-03.

Conditions:
Inborn genetic diseases. Identifiers: MedGen C0950123, MeSH D030342.
Mucopolysaccharidosis, MPS-II (MPS2). Also called: IDS deficiency; Sulfoiduronate sulfatase deficiency; SIDS deficiency; Mucopolysaccharidosis type 2; IDURONATE 2-SULFATASE DEFICIENCY; Mucopolysaccharidosis Type II. Identifiers: Orphanet 580, Orphanet 79388, MedGen C0026705, MONDO:0010674, OMIM 309900.

Submissions (5):

Labcorp Genetics (formerly Invitae), Labcorp
Classification: Pathogenic for Mucopolysaccharidosis, MPS-II. Last evaluated: 2024-10-03. Review status: criteria provided, single submitter. Criteria: Invitae Variant Classification Sherloc (09022015). Collection method: clinical testing. Allele origin: germline.
Comment: This sequence change replaces aspartic acid, which is acidic and polar, with valine, which is neutral and non-polar, at codon 269 of the IDS protein (p.Asp269Val). This variant is not present in population databases (gnomAD no frequency). This missense change has been observed in individual(s) with mucopolysaccharidosis type II (PMID: 10671065, 17063374, 31618753, 35144014). ClinVar contains an entry for this variant (Variation ID: 427181). Invitae Evidence Modeling of protein sequence and biophysical properties (such as structural, functional, and spatial information, amino acid conservation, physicochemical variation, residue mobility, and thermodynamic stability) indicates that this missense variant is not expected to disrupt IDS protein function with a negative predictive value of 95%. Studies have shown that this missense change alters IDS gene expression (PMID: 17063374, 28543354). For these reasons, this variant has been classified as Pathogenic.

Laboratory of Diagnosis and Therapy of Lysosomal Disorders, University of Padova
Classification: Likely pathogenic for Mucopolysaccharidosis, MPS-II. Last evaluated: 2024-06-07. Review status: criteria provided, single submitter. Criteria: ACMG Guidelines, 2015. Collection method: literature only. Allele origin: germline. Affected: yes. Observed: 5 variant alleles.
Comment: De novo (PS2_Moderate), In vitro or in vivo functional studies supportive of a damaging effect (PS3_Moderate), Prevalence of the variant significantly increased in affected individuals compared with controls (PS4_Supporting), Absent from controls (or at low frequency) in gnomAD database (PM2_Moderate), Missense variant in a gene with a low rate of benign missense variation (PP2_Supporting), Multiple lines of computational evidence support a deleterious effect (PP3_Supporting), Patient’s phenotype or family history highly specific for the disease (PP4_Moderate)

Classification method: ACMG Guidelines [PMID:25741868] with modifications

Ambry Genetics
Classification: Likely pathogenic for Inborn genetic diseases. Last evaluated: 2017-05-08. Review status: criteria provided, single submitter. Criteria: Ambry Variant Classification Scheme 2023. Collection method: clinical testing. Allele origin: germline.
Comment: The p.D269V variant (also known as c.806A>T), located in coding exon 6 of the IDS gene, results from an A to T substitution at nucleotide position 806. The aspartic acid at codon 269 is replaced by valine, an amino acid with highly dissimilar properties. This mutation was identified in two unrelated Portuguese individuals with Hunter syndrome. In addition, this study also demonstrated reduced mRNA levels and IDS enzyme activity in fibroblasts from an affected individual (Alves S et al. J. Inherit. Metab. Dis., 2006 Dec;29:743-54). This amino acid position is highly conserved in available vertebrate species. In addition, this alteration is predicted to be deleterious by in silico analysis. Based on the majority of available evidence to date, this variant is likely to be pathogenic.

GeneDx
Classification: Likely pathogenic. Last evaluated: 2015-04-27. Review status: criteria provided, single submitter. Criteria: GeneDx Variant Classification (06012015). Collection method: clinical testing. Allele origin: germline. Affected: yes.
Comment: The D269V variant in the IDS gene has been reported in a patient with mucopolysaccharidosis type II (MPS II) (Karsten et al., 1998). The D269V variant was not observed in approximately 6500 individuals of European and African American ancestry in the NHLBI Exome Sequencing Project, indicating it is not a common benign variant in these populations. The D269V variant is a non-conservative amino acid substitution, which occurs at a position that is conserved across species. However, in silico analysis is inconsistent in its predictions as to whether or not the variant is damaging to the protein structure/function. Missense variants in nearby residues (W264D, N265I, N265K, P266H, P266R, and W267C) have been reported in the Human Gene Mutation Database in association with MPS II (Stenson et al., 2014), supporting the functional importance of this region of the protein. The D269V variant is a strong candidate for a disease-causing variant. However, the possibility it may be a rare benign variant cannot be excluded.

Division of Medical Genetics, Department of Pediatrics, All India Institute of Medical Sciences, New Delhi
Classification: Affects for Mucopolysaccharidosis, MPS-II. Last evaluated: 2014-04-02. Review status: no assertion criteria provided. Collection method: research. Allele origin: germline. Inheritance: X-linked recessive inheritance. Affected: yes. Observed: 1 variant allele, 1 hemizygote. Not counted in ClinVar's aggregate classification.
Comment: The change c.806A>T (p.D269V) was found to be a missense variant, where the acidic polar negative amino acid Aspartic acid at 269 position was substituted by aliphatic nonpolar neutral amino acid Valine.

Literature cited by the submitters: PubMed 10671065 (cited by 3 submitters); PubMed 17063374 (cited by 3 submitters); PubMed 31618753 (cited by Labcorp Genetics (formerly Invitae), Labcorp and Laboratory of Diagnosis and Therapy of Lysosomal Disorders, University of Padova); PubMed 35144014 (cited by Labcorp Genetics (formerly Invitae), Labcorp and Laboratory of Diagnosis and Therapy of Lysosomal Disorders, University of Padova); PubMed 28543354 (cited by Labcorp Genetics (formerly Invitae), Labcorp and Laboratory of Diagnosis and Therapy of Lysosomal Disorders, University of Padova).